The following is an entry in ClinVar:

NM_015692.5(CPAMD8):c.2070+1G>C

Gene: CPAMD8 (C3 and PZP like alpha-2-macroglobulin domain containing 8; minus strand). Cytogenetic location: 19p13.11.
Variant type: single nucleotide variant.
Coding change: c.2070+1G>C on transcript NM_015692.5 (MANE Select); the canonical splice donor site of the intron after coding-DNA position 2070, G replaced by C.
Molecular consequence: splice donor variant. On other transcripts: non-coding transcript variant (1).
Genome position (GRCh38, 1-based): chr19:16,975,096, C>G on the plus strand (G>C on the coding strand, the complement: CPAMD8 is on the minus strand). VCF-style: chr19-16975096-C-G. GRCh37 (hg19) VCF-style: chr19-17085906-C-G.
Identifiers: ClinVar variation 1333413 (VCV001333413.1), dbSNP rs374939930, ClinGen allele CA404655722.

ClinVar aggregate classification (germline): Likely pathogenic (1 of 4 stars; one submission).

Conditions:
Anterior segment dysgenesis 8 (ASGD8). Identifiers: Orphanet 519388, MedGen C4310622, MONDO:0015017, OMIM 617319.

Submission:

3billion
Classification: Likely pathogenic for Anterior segment dysgenesis 8. Last evaluated: 2022-01-03. Review status: criteria provided, single submitter. Criteria: ACMG Guidelines, 2015. Collection method: clinical testing. Allele origin: germline. Affected: yes. Observed: 1 heterozygote.
Comment: Canonical splice site: predicted to alter splicing and result in a loss or disruption of normal protein function through protein truncation. Multiple pathogenic variants are reported in the predicted truncated region (PVS1_VS).It is not observed in the gnomAD v2.1.1 dataset (PM2_M). Therefore, this variant is classified as likely pathogenic according to the recommendation of ACMG/AMP guideline.